The following is an entry in ClinVar:

NM_030962.4(SBF2):c.5232-1G>A

Genes: SBF2 (SET binding factor 2; minus strand), SBF2-AS1 (SBF2 antisense RNA 1; plus strand), LOC105369149 (uncharacterized LOC105369149; plus strand). Cytogenetic location: 11p15.4.
Variant type: single nucleotide variant.
Coding change: c.5232-1G>A on transcript NM_030962.4 (MANE Select); the canonical splice acceptor site of the intron before coding-DNA position 5232, G replaced by A.
Molecular consequence: splice acceptor variant.
Genome position (GRCh38, 1-based): chr11:9,784,439, C>T on the plus strand (G>A on the coding strand, the complement: SBF2 is on the minus strand). VCF-style: chr11-9784439-C-T. GRCh37 (hg19) VCF-style: chr11-9805986-C-T.
Other names: c.5127-1G>A (NM_001425069.1); c.5268-1G>A (NM_001425070.1, NM_001424318.1); c.5103-1G>A (NM_001386342.1); c.5328-1G>A (NM_001386339.1).
Identifiers: ClinVar variation 4691474 (VCV004691474.1).

ClinVar aggregate classification (germline): Likely pathogenic (1 of 4 stars; one submission).

Conditions:
Charcot-Marie-Tooth disease type 4. Also called: Charcot-Marie-Tooth, Type 4; Charcot-Marie-Tooth disease, type IV. Identifiers: Orphanet 64749, MedGen C4082197, MONDO:0018995.

Submission:

Labcorp Genetics (formerly Invitae), Labcorp
Classification: Likely pathogenic for Charcot-Marie-Tooth disease type 4. Last evaluated: 2025-09-15. Review status: criteria provided, single submitter. Criteria: Invitae Variant Classification Sherloc (09022015). Collection method: clinical testing. Allele origin: germline.
Comment: This sequence change affects an acceptor splice site in intron 37 of the SBF2 gene. It is expected to disrupt RNA splicing. Variants that disrupt the donor or acceptor splice site typically lead to a loss of protein function (PMID: 16199547), and loss-of-function variants in SBF2 are known to be pathogenic (PMID: 12687498, 25873783). This variant is not present in population databases (gnomAD no frequency). Disruption of this splice site has been observed in individual(s) with clinical features of Charcot-Marie-Tooth disease (internal data). Algorithms developed to predict the effect of sequence changes on RNA splicing suggest that this variant may disrupt the consensus splice site. In summary, the currently available evidence indicates that the variant is pathogenic, but additional data are needed to prove that conclusively. Therefore, this variant has been classified as Likely Pathogenic.

Literature cited by the submitters: PubMed 16199547; PubMed 12687498; PubMed 25873783.